The following is an entry in ClinVar:

NM_014264.5(PLK4):c.706A>G (p.Ile236Val)

Gene: PLK4 (polo like kinase 4; plus strand). Cytogenetic location: 4q28.1.
Variant type: single nucleotide variant.
Coding change: c.706A>G on transcript NM_014264.5 (MANE Select); coding-DNA position 706, A replaced by G.
Protein change: p.Ile236Val; replaces isoleucine 236 with valine.
Molecular consequence: missense variant.
Genome position (GRCh38, 1-based): chr4:127,886,076, A>G. VCF-style: chr4-127886076-A-G. GRCh37 (hg19) VCF-style: chr4-128807231-A-G.
Other names: c.706A>G (NM_014264.4); c.610A>G, p.Ile204Val (NM_001190799.2); c.583A>G, p.Ile195Val (NM_001190801.2); short protein forms I204V, I236V, I195V.
Identifiers: ClinVar variation 2160592 (VCV002160592.5), dbSNP rs182689355, ClinGen allele CA3076619.

ClinVar aggregate classification (germline): Uncertain significance. Review status: criteria provided, multiple submitters, no conflicts (2 of 4 stars). 2 submissions from 2 submitters: Uncertain significance (2). Last evaluated 2024-08-12.

Conditions:
Inborn genetic diseases. Identifiers: MedGen C0950123, MeSH D030342.

Allele frequency attached by ClinVar (database versions not stated): gnomAD exomes 0.00001; gnomAD 0.00002; TOPMed 0.00002; ExAC 0.00004; 1000 Genomes Project 30x 0.00031; 1000 Genomes Project 0.00040.
gnomAD v4.1: 25 of 1,614,220 alleles (0.0015%); highest among the groups gnomAD compares: East Asian, 0.027%; no homozygotes.

Submissions (2):

Labcorp Genetics (formerly Invitae), Labcorp
Classification: Uncertain significance. Last evaluated: 2024-08-12. Review status: criteria provided, single submitter. Criteria: Invitae Variant Classification Sherloc (09022015). Collection method: clinical testing. Allele origin: germline.
Comment: This sequence change replaces isoleucine, which is neutral and non-polar, with valine, which is neutral and non-polar, at codon 236 of the PLK4 protein (p.Ile236Val). This variant is present in population databases (rs182689355, gnomAD 0.02%). This variant has not been reported in the literature in individuals affected with PLK4-related conditions. ClinVar contains an entry for this variant (Variation ID: 2160592). An algorithm developed to predict the effect of missense changes on protein structure and function (PolyPhen-2) suggests that this variant is likely to be tolerated. In summary, the available evidence is currently insufficient to determine the role of this variant in disease. Therefore, it has been classified as a Variant of Uncertain Significance.

Ambry Genetics
Classification: Uncertain significance for Inborn genetic diseases. Last evaluated: 2023-06-05. Review status: criteria provided, single submitter. Criteria: Ambry Variant Classification Scheme 2023. Collection method: clinical testing. Allele origin: germline.